The following is an entry in ClinVar:

NM_002528.7(NTHL1):c.350C>T (p.Pro117Leu)

Gene: NTHL1 (nth like DNA glycosylase 1; minus strand). Cytogenetic location: 16p13.3.
Variant type: single nucleotide variant.
Coding change: c.350C>T on transcript NM_002528.7 (MANE Select); coding-DNA position 350, C replaced by T.
Protein change: p.Pro117Leu; replaces proline 117 with leucine.
Molecular consequence: missense variant. On other transcripts: intron variant (1).
Genome position (GRCh38, 1-based): chr16:2,046,132, G>A on the plus strand (C>T on the coding strand, the complement: NTHL1 is on the minus strand). VCF-style: chr16-2046132-G-A. GRCh37 (hg19) VCF-style: chr16-2096133-G-A.
Other names: c.350C>T, p.Pro117Leu (LRG_1366t1, NM_001318193.2); c.24+148C>T (NM_001318194.2); short protein forms P117L.
Identifiers: ClinVar variation 662952 (VCV000662952.24), dbSNP rs777263711, ClinGen allele CA7828310.

ClinVar aggregate classification (germline): Conflicting classifications of pathogenicity. Review status: criteria provided, conflicting classifications (1 of 4 stars). 8 submissions from 8 submitters: Uncertain significance (7); Likely benign (1). Last evaluated 2026-01-17.

Conditions:
Familial adenomatous polyposis 3. Also called: NTHL1-Related Adenomatous Polyposis and Colorectal Cancer; NTHL1-related attenuated familial adenomatous polyposis; NTHL1 Tumor Syndrome; NTHL1-associated polyposis. Identifiers: Orphanet 220460, Orphanet 454840, MedGen C4225157, MONDO:0014630, OMIM 616415.
Hereditary cancer-predisposing syndrome. Also called: Neoplastic Syndromes, Hereditary; Tumor predisposition; Hereditary neoplastic syndrome; Hereditary Cancer Syndrome. Identifiers: Orphanet 140162, MedGen C0027672, MeSH D009386, MONDO:0015356.

Allele frequency attached by ClinVar (database versions not stated): TOPMed 0.00002.
gnomAD v4.1: 48 of 1,611,088 alleles (0.003%); highest among the groups gnomAD compares: Admixed American, 0.0067%; no homozygotes.

Submissions (8):

Labcorp Genetics (formerly Invitae), Labcorp
Classification: Uncertain significance. Last evaluated: 2026-01-17. Review status: criteria provided, single submitter. Criteria: Invitae Variant Classification Sherloc (09022015). Collection method: clinical testing. Allele origin: germline.
Comment: This sequence change replaces proline, which is neutral and non-polar, with leucine, which is neutral and non-polar, at codon 125 of the NTHL1 protein (p.Pro125Leu). This variant is present in population databases (rs777263711, gnomAD 0.1%). This variant has not been reported in the literature in individuals affected with NTHL1-related conditions. ClinVar contains an entry for this variant (Variation ID: 662952). An algorithm developed to predict the effect of missense changes on protein structure and function (PolyPhen-2) suggests that this variant is likely to be tolerated. In summary, the available evidence is currently insufficient to determine the role of this variant in disease. Therefore, it has been classified as a Variant of Uncertain Significance.

Ambry Genetics
Classification: Likely benign for Hereditary cancer-predisposing syndrome. Last evaluated: 2025-09-12. Review status: criteria provided, single submitter. Criteria: Ambry Variant Classification Scheme 2023. Collection method: clinical testing. Allele origin: germline.

Center for Genomic Medicine, Rigshospitalet, Copenhagen University Hospital
Classification: Uncertain significance. Last evaluated: 2025-03-04. Review status: criteria provided, single submitter. Criteria: ACMG Guidelines, 2015. Collection method: clinical testing. Allele origin: germline.

Quest Diagnostics Nichols Institute San Juan Capistrano
Classification: Uncertain significance. Last evaluated: 2024-11-02. Review status: criteria provided, single submitter. Criteria: Quest Diagnostics criteria. Collection method: clinical testing. Allele origin: unknown.
Comment: The NTHL1 c.374C>T (p.Pro125Leu) variant has not been reported in individuals with NTHL1-related conditions in the published literature. The frequency of this variant in the general population, 0.0009 (9/10010 chromosomes (Genome Aggregation Database)), is uninformative in the assessment of its pathogenicity. Analysis of this variant using bioinformatics tools for the prediction of the effect of amino acid changes on protein structure and function yielded predictions that this variant is benign. Based on the available information, we are unable to determine the clinical significance of this variant.

GeneDx
Classification: Uncertain significance. Last evaluated: 2024-07-15. Review status: criteria provided, single submitter. Criteria: GeneDx Variant Classification Process June 2021. Collection method: clinical testing. Allele origin: germline. Affected: yes.
Comment: In silico analysis supports that this missense variant has a deleterious effect on protein structure/function; Identified in an individual with cancer (PMID: 34871433); This variant is associated with the following publications: (PMID: 34871433)

Blueprint Genetics
Classification: Uncertain significance. Last evaluated: 2023-12-11. Review status: criteria provided, single submitter. Criteria: ACMG Guidelines, 2015. Collection method: clinical testing. Allele origin: germline.

Baylor Genetics
Classification: Uncertain significance for Familial adenomatous polyposis 3. Last evaluated: 2023-10-15. Review status: criteria provided, single submitter. Criteria: ACMG Guidelines, 2015. Collection method: clinical testing. Allele origin: unknown.

Sema4
Classification: Uncertain significance for Hereditary cancer-predisposing syndrome. Last evaluated: 2021-08-10. Review status: criteria provided, single submitter. Criteria: Sema4 Curation Guidelines. Collection method: curation. Allele origin: germline.
Comment: The NTHL1 c.374C>T (p.P125L) variant has not been reported in the literature to our knowledge. It was observed in 9/10010 chromosomes of the Ashkenazi Jewish subpopulation in the large and broad cohorts of the Genome Aggregation Database (PMID: 32461654) and has been reported in ClinVar (Variation ID 662952). Functional studies have not been performed, and in silico predictions of the variant's effect on protein function are inconclusive. The evidence is insufficient to meet ACMG/AMP criteria for classifying the variant as benign or pathogenic. Thus, the clinical significance of this variant is currently uncertain.

Literature cited by the submitters: PubMed 34871433 (cited by Quest Diagnostics Nichols Institute San Juan Capistrano).